The following is an entry in ClinVar:

ClinVar aggregate classification (germline): Uncertain significance (1 of 4 stars; one submission).

Submission:

Labcorp Genetics (formerly Invitae), Labcorp
Classification: Uncertain significance. Last evaluated: 2024-02-19. Review status: criteria provided, single submitter. Criteria: Invitae Variant Classification Sherloc (09022015). Collection method: clinical testing. Allele origin: germline.
Comment: This sequence change replaces isoleucine, which is neutral and non-polar, with phenylalanine, which is neutral and non-polar, at codon 561 of the WFS1 protein (p.Ile561Phe). This variant is not present in population databases (gnomAD no frequency). This variant has not been reported in the literature in individuals affected with WFS1-related conditions. ClinVar contains an entry for this variant (Variation ID: 2101979). Advanced modeling of protein sequence and biophysical properties (such as structural, functional, and spatial information, amino acid conservation, physicochemical variation, residue mobility, and thermodynamic stability) performed at Invitae indicates that this missense variant is not expected to disrupt WFS1 protein function with a negative predictive value of 95%. In summary, the available evidence is currently insufficient to determine the role of this variant in disease. Therefore, it has been classified as a Variant of Uncertain Significance.

NM_006005.3(WFS1):c.1681A>T (p.Ile561Phe)

Gene: WFS1 (wolframin ER transmembrane glycoprotein; plus strand). Cytogenetic location: 4p16.1.
Variant type: single nucleotide variant.
Coding change: c.1681A>T on transcript NM_006005.3 (MANE Select); coding-DNA position 1681, A replaced by T.
Protein change: p.Ile561Phe; replaces isoleucine 561 with phenylalanine.
Molecular consequence: missense variant.
Genome position (GRCh38, 1-based): chr4:6,301,476, A>T. VCF-style: chr4-6301476-A-T. GRCh37 (hg19) VCF-style: chr4-6303203-A-T.
Other names: c.1681A>T, p.Ile561Phe (NM_001145853.1); short protein forms I561F.
Identifiers: ClinVar variation 2101979 (VCV002101979.4), dbSNP rs766673431, ClinGen allele CA356176503.
Genomic context (GRCh38, chr4:6,301,476, plus strand): 5'-TGTGAGCTCTCCGTGGTCATCCTGCTGGAGTCCACCGGCCTGGGGCTGCTCCGCGCCTCC[A>T]TCGGCTACTTCCTCTTCCTCTTTGCCCTCCCCATCCTGGTGGCCGGCCTGGCCCTGGTGG-3'
Protein context (NP_005996.2, residues 551-571): STGLGLLRAS[Ile561Phe]GYFLFLFALP